The following is an entry in ClinVar:

ClinVar aggregate classification (germline): Uncertain significance (1 of 4 stars; one submission).

Conditions:
Multiple endocrine neoplasia, type 2 (MEN2). Identifiers: Orphanet 653, MedGen C4048306, MONDO:0019003. Disease mechanism: gain of function.

Submission:

Labcorp Genetics (formerly Invitae), Labcorp
Classification: Uncertain significance for Multiple endocrine neoplasia, type 2. Last evaluated: 2025-01-06. Review status: criteria provided, single submitter. Criteria: Invitae Variant Classification Sherloc (09022015). Collection method: clinical testing. Allele origin: germline.
Comment: This sequence change replaces glutamic acid, which is acidic and polar, with glutamine, which is neutral and polar, at codon 1006 of the RET protein (p.Glu1006Gln). This variant is not present in population databases (gnomAD no frequency). This variant has not been reported in the literature in individuals affected with RET-related conditions. An algorithm developed to predict the effect of missense changes on protein structure and function (PolyPhen-2) suggests that this variant is likely to be disruptive. In summary, the available evidence is currently insufficient to determine the role of this variant in disease. Therefore, it has been classified as a Variant of Uncertain Significance.

NM_020975.6(RET):c.3016G>C (p.Glu1006Gln)

Gene: RET (ret proto-oncogene; plus strand). Cytogenetic location: 10q11.21.
Variant type: single nucleotide variant.
Coding change: c.3016G>C on transcript NM_020975.6 (MANE Select); coding-DNA position 3016, G replaced by C.
Protein change: p.Glu1006Gln; replaces glutamic acid 1006 with glutamine.
Molecular consequence: missense variant.
Genome position (GRCh38, 1-based): chr10:43,124,959, G>C. VCF-style: chr10-43124959-G-C. GRCh37 (hg19) VCF-style: chr10-43620407-G-C.
Other names: c.2119G>C, p.Glu707Gln (NM_001406780.1, NM_001406781.1, NM_001406782.1 and 1 more transcripts); c.1990G>C, p.Glu664Gln (NM_001406783.1, NM_001406786.1); c.2026G>C, p.Glu676Gln (NM_001406784.1); c.1999G>C, p.Glu667Gln (NM_001406785.1); c.1984G>C, p.Glu662Gln (NM_001406787.1); c.1831G>C, p.Glu611Gln (NM_001406788.1, NM_001406789.1, NM_001406790.1); c.2254G>C, p.Glu752Gln (NM_001355216.2); c.3016G>C, p.Glu1006Gln (NM_001406743.1, NM_001406744.1, NM_001406759.1 and 2 more transcripts); and 10 more; short protein forms E611Q, E664Q, E764Q, E874Q, E961Q, E752Q, E831Q, E860Q.
Identifiers: ClinVar variation 3728530 (VCV003728530.2).
Genomic context (GRCh38, chr10:43,124,959, plus strand): 5'-CAATGCTGGAAGCAGGAGCCGGACAAAAGGCCGGTGTTTGCGGACATCAGCAAAGACCTG[G>C]AGAAGATGATGGTTAAGAGGAGAGTGAGTGCCTGGGTCCAATTCCCACAAGCTGAAAGTG-3'
Protein context (NP_066124.1, residues 996-1016): PVFADISKDL[Glu1006Gln]KMMVKRRDYL